The following is an entry in ClinVar:

ClinVar aggregate classification (germline): Pathogenic/Likely pathogenic. Review status: criteria provided, multiple submitters, no conflicts (2 of 4 stars). 2 submissions from 2 submitters: Pathogenic (1); Likely pathogenic (1). Last evaluated 2024-03-31.

Conditions:
Mucopolysaccharidosis, MPS-IV-A (MPS4A). Also called: Morquio syndrome A, mild; MORQUIO SYNDROME A; GALACTOSAMINE-6-SULFATASE DEFICIENCY; GALNS DEFICIENCY; MORQUIO A DISEASE; Mucopolysaccharidosis type IV A. Identifiers: Orphanet 309297, Orphanet 582, MedGen C0086651, MONDO:0009659, OMIM 253000.

Allele frequency attached by ClinVar (database versions not stated): gnomAD exomes below 0.00001; ExAC 0.00003.

Submissions (2):

Fulgent Genetics
Classification: Likely pathogenic for Mucopolysaccharidosis, MPS-IV-A. Last evaluated: 2024-03-31. Review status: criteria provided, single submitter. Criteria: ACMG Guidelines, 2015. Collection method: clinical testing. Allele origin: germline.

Labcorp Genetics (formerly Invitae), Labcorp
Classification: Pathogenic for Mucopolysaccharidosis, MPS-IV-A. Last evaluated: 2023-02-26. Review status: criteria provided, single submitter. Criteria: Invitae Variant Classification Sherloc (09022015). Collection method: clinical testing. Allele origin: germline.
Comment: This variant has not been reported in the literature in individuals affected with GALNS-related conditions. This variant disrupts a region of the GALNS protein in which other variant(s) (p.Trp520Arg) have been determined to be pathogenic (PMID: 34472180). This suggests that this is a clinically significant region of the protein, and that variants that disrupt it are likely to be disease-causing. For these reasons, this variant has been classified as Pathogenic. This variant is present in population databases (rs778286877, gnomAD 0.003%). This sequence change creates a premature translational stop signal (p.Leu440Aspfs*62) in the GALNS gene. While this is not anticipated to result in nonsense mediated decay, it is expected to disrupt the last 83 amino acid(s) of the GALNS protein.

Literature cited by the submitters: PubMed 34472180 (cited by Labcorp Genetics (formerly Invitae), Labcorp).

NM_000512.5(GALNS):c.1318_1319del (p.Leu440fs)

Gene: GALNS (galactosamine (N-acetyl)-6-sulfatase; minus strand). Cytogenetic location: 16q24.3.
Variant type: Deletion.
Coding change: c.1318_1319del on transcript NM_000512.5 (MANE Select); coding-DNA positions 1318 to 1319, 2 bases deleted (CT; older notation c.1318_1319delCT).
Protein change: p.Leu440fs; shifts the reading frame from leucine 440.
Molecular consequence: frameshift variant.
Genome position (GRCh38, 1-based): chr16:88,822,634-88,822,635, AG deleted on the plus strand (CT on the coding strand, the reverse complement: GALNS is on the minus strand). VCF-style (leftmost placement, unchanged base first): chr16-88822633-CAG-C. GRCh37 (hg19) VCF-style: chr16-88889041-CAG-C.
Other names: c.763_764del, p.Leu255fs (NM_001323543.2); c.1336_1337del, p.Leu446fs (NM_001323544.2); short protein forms L440fs, L446fs, L255fs.
Identifiers: ClinVar variation 2840967 (VCV002840967.4), dbSNP rs778286877, ClinGen allele CA8234727.
Genomic context (GRCh38, chr16:88,822,633, plus strand): 5'-CCCTGCACCGACTCACCTGAGGGGGAACCTCTCCCCTGGGTCCCGTCCCAGGTGGAAGAT[CAG>C]GGGCAGCTTCGTGTGGTCTTCCAGATTGTGAGTTGTGACCCCTGAAACGTTCTGCCCAGG-3'